The following is an entry in ClinVar:

NM_000061.3(BTK):c.188G>C (p.Cys63Ser)

Gene: BTK (Bruton tyrosine kinase; minus strand). Cytogenetic location: Xq22.1.
Variant type: single nucleotide variant.
Coding change: c.188G>C on transcript NM_000061.3 (MANE Select); coding-DNA position 188, G replaced by C.
Protein change: p.Cys63Ser; replaces cysteine 63 with serine.
Molecular consequence: missense variant.
Genome position (GRCh38, 1-based): chrX:101,374,588, C>G on the plus strand (G>C on the coding strand, the complement: BTK is on the minus strand). VCF-style: chrX-101374588-C-G. GRCh37 (hg19) VCF-style: chrX-100629576-C-G.
Other names: c.290G>C, p.Cys97Ser (NM_001287344.2); c.188G>C, p.Cys63Ser (NM_001287345.2); short protein forms C63S, C97S.
Identifiers: ClinVar variation 2113222 (VCV002113222.4), dbSNP rs2520688614, ClinGen allele CA413938919.
Genomic context (GRCh38, chrX:101,374,588, plus strand): 5'-CTTCTTACCGGAATCTGTCTTTCTGGAGGAGGATTTTTTTCAGGAACCACTGTTTCAACA[C>G]AAGTGATCTTCTCAACATCTATTGAACCCTTCTTACTGCCTCTTCTCTGAGAAGTAGAAT-3'
Protein context (NP_000052.1, residues 53-73): KGSIDVEKIT[Cys63Ser]VETVVPEKNP

ClinVar aggregate classification (germline): Uncertain significance (1 of 4 stars; one submission).

Conditions:
X-linked agammaglobulinemia with growth hormone deficiency (IGHD3). Also called: Isolated growth hormone deficiency type 3; Growth hormone deficiency with hypogammaglobulinemia; HYPOGAMMAGLOBULINEMIA AND ISOLATED GROWTH HORMONE DEFICIENCY, X-LINKED; IGHD III; ISOLATED GROWTH HORMONE DEFICIENCY, TYPE III, WITH AGAMMAGLOBULINEMIA; AGAMMAGLOBULINEMIA AND ISOLATED GROWTH HORMONE DEFICIENCY, X-LINKED. Identifiers: Orphanet 231692, Orphanet 631, MedGen C0472813, MONDO:0010615, OMIM 307200.

Submission:

Labcorp Genetics (formerly Invitae), Labcorp
Classification: Uncertain significance for X-linked agammaglobulinemia with growth hormone deficiency. Last evaluated: 2022-10-16. Review status: criteria provided, single submitter. Criteria: Invitae Variant Classification Sherloc (09022015). Collection method: clinical testing. Allele origin: germline.
Comment: In summary, the available evidence is currently insufficient to determine the role of this variant in disease. Therefore, it has been classified as a Variant of Uncertain Significance. Algorithms developed to predict the effect of missense changes on protein structure and function are either unavailable or do not agree on the potential impact of this missense change (SIFT: "Deleterious"; PolyPhen-2: "Probably Damaging"; Align-GVGD: "Class C0"). This variant has not been reported in the literature in individuals affected with BTK-related conditions. This variant is not present in population databases (gnomAD no frequency). This sequence change replaces cysteine, which is neutral and slightly polar, with serine, which is neutral and polar, at codon 63 of the BTK protein (p.Cys63Ser).